The following is an entry in ClinVar:

NM_001080508.3(TBX18):c.662G>A (p.Arg221His)

Gene: TBX18 (T-box transcription factor 18; minus strand). Cytogenetic location: 6q14.3.
Variant type: single nucleotide variant.
Coding change: c.662G>A on transcript NM_001080508.3 (MANE Select); coding-DNA position 662, G replaced by A.
Protein change: p.Arg221His; replaces arginine 221 with histidine.
Molecular consequence: missense variant.
Genome position (GRCh38, 1-based): chr6:84,756,807, C>T on the plus strand (G>A on the coding strand, the complement: TBX18 is on the minus strand). VCF-style: chr6-84756807-C-T. GRCh37 (hg19) VCF-style: chr6-85466525-C-T.
Other names: short protein forms R221H.
Identifiers: ClinVar variation 1704362 (VCV001704362.1), dbSNP rs762412545, ClinGen allele CA142005272.
Genomic context (GRCh38, chr6:84,756,807, plus strand): 5'-CTGATAACTTGTCTCATCCAAGTCTCCCCCGAGGCAGGCGAGTCTGGATGAATGTACACA[C>T]GGGGTGGCACAGGCGAGTCAGCATTACCTGCCACCATCCATTTCGAACTGTGGTAAACAT-3'
Protein context (NP_001073977.1, residues 211-231): AGNADSPVPP[Arg221His]VYIHPDSPAS

ClinVar aggregate classification (germline): Uncertain significance (1 of 4 stars; one submission).

Conditions:
Congenital anomalies of kidney and urinary tract 2. Identifiers: Orphanet 2190, MedGen C5574705, MONDO:0027676, OMIM 143400.

Allele frequency attached by ClinVar (database versions not stated): gnomAD 0.00002.
gnomAD v4.1: 11 of 1,613,924 alleles (0.00068%); highest among the groups gnomAD compares: East Asian, 0.0022%; no homozygotes.

Submission:

Johns Hopkins Genomics, Johns Hopkins University
Classification: Uncertain significance for Congenital anomalies of kidney and urinary tract 2. Last evaluated: 2022-06-08. Review status: criteria provided, single submitter. Criteria: ACMG Guidelines, 2015. Collection method: clinical testing. Allele origin: germline.
Comment: This TBX18 variant is absent from a large population dataset and has not been reported in the literature, to our knowledge. Three bioinformatic tools queried predict that this substitution would be damaging, and the arginine residue at this position is strongly evolutionarily conserved across the vertebrate species assessed. This substitution (p.Arg221His) is located in the T-box domain of TBX18 (amino acids 143-330), which is required for DNA binding. Bioinformatic analysis predicts that this missense variant would not affect normal exon 4 splicing, although this has not been confirmed experimentally to our knowledge. Due to insufficient evidence that this variant is deleterious, we consider the clinical significance of c.662G>A to be uncertain at this time.

Literature cited by the submitters: PubMed 26235987.